The following is an entry in ClinVar:

ClinVar aggregate classification (germline): Uncertain significance (1 of 4 stars; one submission).

Conditions:
Hereditary cancer-predisposing syndrome. Also called: Neoplastic Syndromes, Hereditary; Tumor predisposition; Hereditary neoplastic syndrome; Hereditary Cancer Syndrome. Identifiers: Orphanet 140162, MedGen C0027672, MeSH D009386, MONDO:0015356.

Submission:

Ambry Genetics
Classification: Uncertain significance for Hereditary cancer-predisposing syndrome. Last evaluated: 2026-08-31. Review status: criteria provided, single submitter. Criteria: Ambry Variant Classification Scheme 2023. Collection method: clinical testing. Allele origin: germline.
Comment: The p.E788K variant (also known as c.2362G>A), located in coding exon 16 of the TSC1 gene, results from a G to A substitution at nucleotide position 2362. The glutamic acid at codon 788 is replaced by lysine, an amino acid with similar properties. This amino acid position is conserved. In addition, the in silico prediction for this alteration is inconclusive. Based on the available evidence, the clinical significance of this variant remains unclear.

NM_000368.5(TSC1):c.2362G>A (p.Glu788Lys)

Gene: TSC1 (TSC complex subunit 1; minus strand). Cytogenetic location: 9q34.13.
Variant type: single nucleotide variant.
Coding change: c.2362G>A on transcript NM_000368.5 (MANE Select); coding-DNA position 2362, G replaced by A.
Protein change: p.Glu788Lys; replaces glutamic acid 788 with lysine.
Molecular consequence: missense variant. On other transcripts: non-coding transcript variant (5).
Genome position (GRCh38, 1-based): chr9:132,902,634, C>T on the plus strand (G>A on the coding strand, the complement: TSC1 is on the minus strand). VCF-style: chr9-132902634-C-T. GRCh37 (hg19) VCF-style: chr9-135778021-C-T.
Other names: c.2359G>A, p.Glu787Lys (NM_001406597.1, NM_001406598.1, NM_001406599.1 and 4 more transcripts); c.2347G>A, p.Glu783Lys (NM_001406601.1, NM_001406602.1); c.2344G>A, p.Glu782Lys (NM_001406603.1, NM_001406604.1); c.2362G>A, p.Glu788Lys (NM_001406605.1, NM_001406606.1, NM_001406592.1 and 5 more transcripts); c.1999G>A, p.Glu667Lys (NM_001406616.1, NM_001406617.1, NM_001406618.1 and 5 more transcripts); c.1996G>A, p.Glu666Lys (NM_001406620.1, NM_001406621.1, NM_001406622.1 and 2 more transcripts); c.1411G>A, p.Glu471Lys (NM_001406626.1); c.1408G>A, p.Glu470Lys (NM_001406627.1, NM_001406628.1); and 3 more; short protein forms E471K, E437K, E470K, E666K, E737K, E788K, E667K, E782K.
Identifiers: ClinVar variation 5031268 (VCV005031268.1).